The following is an entry in ClinVar:

NM_004408.4(DNM1):c.2356C>A (p.Pro786Thr)

Genes: DNM1 (dynamin 1; plus strand), LOC130002698 (ATAC-STARR-seq lymphoblastoid silent region 20332; plus strand). Cytogenetic location: 9q34.11.
Variant type: single nucleotide variant.
Coding change: c.2356C>A on transcript NM_004408.4 (MANE Select); coding-DNA position 2356, C replaced by A.
Protein change: p.Pro786Thr; replaces proline 786 with threonine.
Molecular consequence: missense variant.
Genome position (GRCh38, 1-based): chr9:128,250,762, C>A. VCF-style: chr9-128250762-C-A. GRCh37 (hg19) VCF-style: chr9-131013041-C-A.
Other names: c.2356C>A, p.Pro786Thr (NM_001005336.3, NM_001288737.2, NM_001288738.2 and 2 more transcripts); short protein forms P786T.
Identifiers: ClinVar variation 1051011 (VCV001051011.9), dbSNP rs2131299453, ClinGen allele CA375001520.

ClinVar aggregate classification (germline): Uncertain significance (1 of 4 stars; one submission).

Conditions:
Developmental and epileptic encephalopathy, 31A. Also called: Epileptic encephalopathy, early infantile, 31; Developmental and epileptic encephalopathy, 31. Identifiers: Orphanet 2382, MedGen C4225357, MONDO:0014598, OMIM 616346.

Submission:

Labcorp Genetics (formerly Invitae), Labcorp
Classification: Uncertain significance for Developmental and epileptic encephalopathy, 31A. Last evaluated: 2024-12-17. Review status: criteria provided, single submitter. Criteria: Invitae Variant Classification Sherloc (09022015). Collection method: clinical testing. Allele origin: germline.
Comment: This sequence change replaces proline, which is neutral and non-polar, with threonine, which is neutral and polar, at codon 786 of the DNM1 protein (p.Pro786Thr). This variant is not present in population databases (gnomAD no frequency). This variant has not been reported in the literature in individuals affected with DNM1-related conditions. ClinVar contains an entry for this variant (Variation ID: 1051011). Invitae Evidence Modeling of protein sequence and biophysical properties (such as structural, functional, and spatial information, amino acid conservation, physicochemical variation, residue mobility, and thermodynamic stability) has been performed for this missense variant. However, the output from this modeling did not meet the statistical confidence thresholds required to predict the impact of this variant on DNM1 protein function. In summary, the available evidence is currently insufficient to determine the role of this variant in disease. Therefore, it has been classified as a Variant of Uncertain Significance.